The following is an entry in ClinVar:

NM_000059.4(BRCA2):c.2717C>T (p.Thr906Ile)

Gene: BRCA2 (BRCA2 DNA repair associated; plus strand). Cytogenetic location: 13q13.1.
Variant type: single nucleotide variant.
Coding change: c.2717C>T on transcript NM_000059.4 (MANE Select); coding-DNA position 2717, C replaced by T.
Protein change: p.Thr906Ile; replaces threonine 906 with isoleucine.
Molecular consequence: missense variant.
Genome position (GRCh38, 1-based): chr13:32,337,072, C>T. VCF-style: chr13-32337072-C-T. GRCh37 (hg19) VCF-style: chr13-32911209-C-T.
Other names: short protein forms T906I.
Identifiers: ClinVar variation 953133 (VCV000953133.11), dbSNP rs2072463461, ClinGen allele CA387773560.

ClinVar aggregate classification (germline): Conflicting classifications of pathogenicity. Review status: criteria provided, conflicting classifications (1 of 4 stars). 2 submissions from 2 submitters: Uncertain significance (1); Likely benign (1). Last evaluated 2024-08-07.

Conditions:
Hereditary breast ovarian cancer syndrome. Also called: Hereditary breast and ovarian cancer; Hereditary breast and/or ovarian cancer syndrome; Hereditary breast and ovarian cancer syndrome; Hereditary breast and ovarian cancer syndrome (HBOC); Breast and ovarian cancer; BRCA1- and BRCA2-Associated Hereditary Breast and Ovarian Cancer. Identifiers: Orphanet 145, MedGen C0677776, MeSH D061325, MONDO:0003582. Disease mechanism: loss of function.
Hereditary cancer-predisposing syndrome. Also called: Hereditary neoplastic syndrome; Tumor predisposition; Neoplastic Syndromes, Hereditary; Hereditary Cancer Syndrome. Identifiers: Orphanet 140162, MedGen C0027672, MeSH D009386, MONDO:0015356.

Allele frequency attached by ClinVar (database versions not stated): gnomAD exomes below 0.00001.

Submissions (2):

Labcorp Genetics (formerly Invitae), Labcorp
Classification: Uncertain significance for Hereditary breast ovarian cancer syndrome. Last evaluated: 2024-08-07. Review status: criteria provided, single submitter. Criteria: Invitae Variant Classification Sherloc (09022015). Collection method: clinical testing. Allele origin: germline.
Comment: This sequence change replaces threonine, which is neutral and polar, with isoleucine, which is neutral and non-polar, at codon 906 of the BRCA2 protein (p.Thr906Ile). This variant is not present in population databases (gnomAD no frequency). This variant has not been reported in the literature in individuals affected with BRCA2-related conditions. ClinVar contains an entry for this variant (Variation ID: 953133). Advanced modeling of protein sequence and biophysical properties (such as structural, functional, and spatial information, amino acid conservation, physicochemical variation, residue mobility, and thermodynamic stability) performed at Invitae indicates that this missense variant is not expected to disrupt BRCA2 protein function with a negative predictive value of 95%. In summary, the available evidence is currently insufficient to determine the role of this variant in disease. Therefore, it has been classified as a Variant of Uncertain Significance.

University of Washington Department of Laboratory Medicine, University of Washington
Classification: Likely benign for Hereditary cancer-predisposing syndrome. Last evaluated: 2023-03-23. Review status: criteria provided, single submitter. Criteria: Dines et al. (Genet Med. 2020). Collection method: curation. Allele origin: germline.
Comment: Missense variant in a coldspot region where missense variants are very unlikely to be pathogenic (PMID:31911673).

BRCA2 exon 11 coldspot. Reclassification based on statistical prior probability.